The following is an entry in ClinVar:

NM_032802.4(SPPL2A):c.1387_1400del (p.Pro463fs)

Gene: SPPL2A (signal peptide peptidase like 2A; minus strand). Cytogenetic location: 15q21.2.
Variant type: Deletion.
Coding change: c.1387_1400del on transcript NM_032802.4 (MANE Select); coding-DNA positions 1387 to 1400, 14 bases deleted (CCTGCTCTCCTCTA).
Protein change: p.Pro463fs; shifts the reading frame from proline 463.
Molecular consequence: frameshift variant. On other transcripts: intron variant (1).
Genome position (GRCh38, 1-based): chr15:50,720,028-50,720,041, TAGAGGAGAGCAGG deleted on the plus strand (CCTGCTCTCCTCTA on the coding strand, the reverse complement: SPPL2A is on the minus strand); deleting any 14 consecutive bases within chr15:50,720,028-50,720,042 gives the same sequence; the c. name uses the placement nearest the transcript's 3' end. VCF-style (leftmost placement, unchanged base first): chr15-50720027-ATAGAGGAGAGCAGG-A. GRCh37 (hg19) VCF-style: chr15-51012224-ATAGAGGAGAGCAGG-A.
Other names: c.1441_1454del, p.Pro481fs (NM_001438111.1); c.1327+2083_1327+2096del (NM_001438112.1); short protein forms P463fs, P481fs.
Identifiers: ClinVar variation 4809847 (VCV004809847.1).

ClinVar aggregate classification (germline): Uncertain significance (1 of 4 stars; one submission).

Submission:

Labcorp Genetics (formerly Invitae), Labcorp
Classification: Uncertain significance. Last evaluated: 2026-01-03. Review status: criteria provided, single submitter. Criteria: Invitae Variant Classification Sherloc (09022015). Collection method: clinical testing. Allele origin: germline.
Comment: This sequence change creates a premature translational stop signal (p.Pro463Phefs*17) in the SPPL2A gene. While this is not anticipated to result in nonsense mediated decay, it is expected to disrupt the last 58 amino acid(s) of the SPPL2A protein. This variant is not present in population databases (gnomAD no frequency). This variant has not been reported in the literature in individuals affected with SPPL2A-related conditions. Experimental studies and prediction algorithms are not available or were not evaluated, and the functional significance of this variant is currently unknown. In summary, the available evidence is currently insufficient to determine the role of this variant in disease. Therefore, it has been classified as a Variant of Uncertain Significance.